The following is an entry in ClinVar:

NM_000501.4(ELN):c.571+6G>A

Gene: ELN (elastin; plus strand). Cytogenetic location: 7q11.23.
Variant type: single nucleotide variant.
Coding change: c.571+6G>A on transcript NM_000501.4 (MANE Select); 6 bases into the intron after coding-DNA position 571, G replaced by A.
Molecular consequence: intron variant.
Genome position (GRCh38, 1-based): chr7:74,046,223, G>A. VCF-style: chr7-74046223-G-A. GRCh37 (hg19) VCF-style: chr7-73460553-G-A.
Other names: c.586+6G>A (NM_001081754.3, NM_001081753.3); c.571+6G>A (NM_001278939.2, NM_001278915.2, NM_001278912.2 and 2 more transcripts); c.506-473G>A (NM_001278913.2); c.556+6G>A (NM_001278914.2); c.541+6G>A (NM_001278917.2, NM_001081752.3); c.440-473G>A (NM_001278918.2).
Identifiers: ClinVar variation 3730429 (VCV003730429.2).
Genomic context (GRCh38, chr7:74,046,223, plus strand): 5'-TAGTGACAGCTTTTTATCATTACAGGTGTAGGTGGAGCTTTTGCTGGAATCCCAGGTGAG[G>A]CAAGGCTGGTGGGAGAAGCAGGGTGGCCAGCCAGGCAGAGGCTCTGGCGTTGGGAGGGGT-3'

ClinVar aggregate classification (germline): Uncertain significance (1 of 4 stars; one submission).

Conditions:
Supravalvar aortic stenosis (SVAS). Also called: Supravalvar aortic stenosis, Eisenberg type. Identifiers: Orphanet 3193, MedGen C0003499, MONDO:0008504, OMIM 185500, HP:0004381.

Submission:

Labcorp Genetics (formerly Invitae), Labcorp
Classification: Uncertain significance for Supravalvar aortic stenosis. Last evaluated: 2024-11-18. Review status: criteria provided, single submitter. Criteria: Invitae Variant Classification Sherloc (09022015). Collection method: clinical testing. Allele origin: germline.
Comment: This sequence change falls in intron 11 of the ELN gene. It does not directly change the encoded amino acid sequence of the ELN protein. It affects a nucleotide within the consensus splice site. This variant is not present in population databases (gnomAD no frequency). This variant has not been reported in the literature in individuals affected with ELN-related conditions. Variants that disrupt the consensus splice site are a relatively common cause of aberrant splicing (PMID: 17576681, 9536098). Algorithms developed to predict the effect of sequence changes on RNA splicing suggest that this variant is not likely to affect RNA splicing. In summary, the available evidence is currently insufficient to determine the role of this variant in disease. Therefore, it has been classified as a Variant of Uncertain Significance.

Literature cited by the submitters: PubMed 17576681; PubMed 9536098.